The following is an entry in ClinVar:

NM_014159.7(SETD2):c.556C>G (p.Pro186Ala)

Gene: SETD2 (SET domain containing 2, histone lysine methyltransferase; minus strand). Cytogenetic location: 3p21.31.
Variant type: single nucleotide variant.
Coding change: c.556C>G on transcript NM_014159.7 (MANE Select); coding-DNA position 556, C replaced by G.
Protein change: p.Pro186Ala; replaces proline 186 with alanine.
Molecular consequence: missense variant. On other transcripts: non-coding transcript variant (1).
Genome position (GRCh38, 1-based): chr3:47,124,080, G>C on the plus strand (C>G on the coding strand, the complement: SETD2 is on the minus strand). VCF-style: chr3-47124080-G-C. GRCh37 (hg19) VCF-style: chr3-47165570-G-C.
Other names: c.424C>G, p.Pro142Ala (NM_001349370.3); short protein forms P142A, P186A.
Identifiers: ClinVar variation 3901435 (VCV003901435.1).

ClinVar aggregate classification (germline): Uncertain significance (1 of 4 stars; one submission).

gnomAD v4.1: 2 of 1,551,742 alleles (0.00013%); highest among the groups gnomAD compares: African/African-American, 0.0027%; no homozygotes.

Submission:

GeneDx
Classification: Uncertain significance. Last evaluated: 2024-12-08. Review status: criteria provided, single submitter. Criteria: GeneDx Variant Classification Process June 2021. Collection method: clinical testing. Allele origin: germline. Affected: yes.
Comment: In silico analysis supports that this missense variant has a deleterious effect on protein structure/function; Has not been previously published as pathogenic or benign to our knowledge